The following is an entry in ClinVar:

NM_013427.3(ARHGAP6):c.1377G>C (p.Glu459Asp)

Gene: ARHGAP6 (Rho GTPase activating protein 6; minus strand). Cytogenetic location: Xp22.2.
Variant type: single nucleotide variant.
Coding change: c.1377G>C on transcript NM_013427.3 (MANE Select); coding-DNA position 1377, G replaced by C.
Protein change: p.Glu459Asp; replaces glutamic acid 459 with aspartic acid.
Molecular consequence: missense variant. On other transcripts: non-coding transcript variant (1).
Genome position (GRCh38, 1-based): chrX:11,179,405, C>G on the plus strand (G>C on the coding strand, the complement: ARHGAP6 is on the minus strand). VCF-style: chrX-11179405-C-G. GRCh37 (hg19) VCF-style: chrX-11197525-C-G.
Other names: c.837G>C, p.Glu279Asp (NM_001287242.2); c.1377G>C, p.Glu459Asp (NM_006125.3); c.768G>C, p.Glu256Asp (NM_013423.3); short protein forms E256D, E279D, E459D.
Identifiers: ClinVar variation 4829559 (VCV004829559.1).

ClinVar aggregate classification (germline): Uncertain significance (1 of 4 stars; one submission).

gnomAD v4.1: 2 of 1,210,144 alleles (0.00017%); highest among the groups gnomAD compares: Non-Finnish European, 0.00022%; no homozygotes.

Submission:

Ambry Genetics
Classification: Uncertain significance. Last evaluated: 2026-01-21. Review status: criteria provided, single submitter. Criteria: Ambry Variant Classification Scheme 2023. Collection method: clinical testing. Allele origin: germline.
Comment: The c.1377G>C (p.E459D) alteration is located in exon 7 (coding exon 7) of the ARHGAP6 gene. This alteration results from a G to C substitution at nucleotide position 1377, causing the glutamic acid (E) at amino acid position 459 to be replaced by an aspartic acid (D). Based on data from gnomAD, the C allele has an overall frequency of 0.001% (1/181255) total alleles studied. The highest observed frequency was 0.001% (1/81391) of European (non-Finnish) alleles. Based on insufficient or conflicting evidence, the clinical significance of this alteration remains unclear.